The following is an entry in ClinVar:

NM_001370959.1(POU6F2):c.1314C>G (p.Gly438=)

Gene: POU6F2 (POU class 6 homeobox 2; plus strand). Cytogenetic location: 7p14.1.
Variant type: single nucleotide variant.
Coding change: c.1314C>G on transcript NM_001370959.1 (MANE Select); coding-DNA position 1314, C replaced by G.
Protein change: p.Gly438=; no amino-acid change (glycine 438 retained).
Molecular consequence: synonymous variant.
Genome position (GRCh38, 1-based): chr7:39,433,277, C>G. VCF-style: chr7-39433277-C-G. GRCh37 (hg19) VCF-style: chr7-39472876-C-G.
Other names: c.1227C>G, p.Gly409= (NM_001166018.2, NM_007252.4).
Identifiers: ClinVar variation 741773 (VCV000741773.5), dbSNP rs143607091, ClinGen allele CA4227776.
Genomic context (GRCh38, chr7:39,433,277, plus strand): 5'-GAACCAGATCCTGCCCGTGATCAACACCCAGGGCATCACGCTGTCACCCATCAAGCCCGG[C>G]CAGCAGGTAAATGTTCCAGGCCAAGGCAGCCATGGCACAGGACACTGTCCTTACCCAGCT-3'
Protein context (NP_001357888.1, residues 428-448): QGITLSPIKP[Gly438=]QQLHQPSQTS

ClinVar aggregate classification (germline): Likely benign. Review status: criteria provided, single submitter (1 of 4 stars). 2 submissions from 2 submitters: Likely benign (1). 1 of the submissions does not count toward it. Last evaluated 2018-04-26.

Conditions:
POU6F2-related disorder. Also called: POU6F2-related condition.

Allele frequency attached by ClinVar (database versions not stated): gnomAD exomes 0.00005 and 0.00014; ExAC 0.00019; gnomAD 0.00056 and 0.00058; TOPMed 0.00059; ESP Exome Variant Server 0.00069; 1000 Genomes Project 0.00100.
gnomAD v4.1: 150 of 1,613,928 alleles (0.0093%); highest among the groups gnomAD compares: African/African-American, 0.19%; no homozygotes.

Submissions (2):

Labcorp Genetics (formerly Invitae), Labcorp
Classification: Likely benign. Last evaluated: 2018-04-26. Review status: criteria provided, single submitter. Criteria: Invitae Variant Classification Sherloc (09022015). Collection method: clinical testing. Allele origin: germline.

PreventionGenetics, part of Exact Sciences
Classification: Likely benign for POU6F2-related condition. Last evaluated: 2019-06-02. Review status: no assertion criteria provided. Collection method: clinical testing. Allele origin: germline. Not counted in ClinVar's aggregate classification.
Comment: This variant is classified as likely benign based on ACMG/AMP sequence variant interpretation guidelines (Richards et al. 2015 PMID: 25741868, with internal and published modifications).